The following is an entry in ClinVar:

NM_000506.5(F2):c.689A>G (p.His230Arg)

Gene: F2 (coagulation factor II, thrombin; plus strand). Cytogenetic location: 11p11.2.
Variant type: single nucleotide variant.
Coding change: c.689A>G on transcript NM_000506.5 (MANE Select); coding-DNA position 689, A replaced by G.
Protein change: p.His230Arg; replaces histidine 230 with arginine.
Molecular consequence: missense variant.
Genome position (GRCh38, 1-based): chr11:46,725,988, A>G. VCF-style: chr11-46725988-A-G. GRCh37 (hg19) VCF-style: chr11-46747538-A-G.
Other names: short protein forms H230R.
Identifiers: ClinVar variation 2577603 (VCV002577603.1), dbSNP rs2502828668, ClinGen allele CA380265041.

ClinVar aggregate classification (germline): Uncertain significance (1 of 4 stars; one submission).

Allele frequency attached by ClinVar (database versions not stated): gnomAD exomes 0.00001.
gnomAD v4.1: 3 of 1,613,938 alleles (0.00019%); highest among the groups gnomAD compares: Non-Finnish European, 0.00025%; no homozygotes.

Submission:

GeneDx
Classification: Uncertain significance. Last evaluated: 2023-01-25. Review status: criteria provided, single submitter. Criteria: GeneDx Variant Classification Process June 2021. Collection method: clinical testing. Allele origin: germline. Affected: yes.
Comment: Not observed at significant frequency in large population cohorts (gnomAD); In silico analysis supports that this missense variant does not alter protein structure/function; Has not been previously published as pathogenic or benign to our knowledge